The following is an entry in ClinVar:

ClinVar aggregate classification (germline): Uncertain significance (1 of 4 stars; one submission).

Conditions:
Nephronophthisis. Also called: Juvenile Nephronophthisis. Identifiers: Orphanet 655, MedGen C0687120, MONDO:0019005, HP:0000090.

Allele frequency attached by ClinVar (database versions not stated): gnomAD exomes below 0.00001.
gnomAD v4.1: 1 of 1,613,792 alleles (0.000062%); highest among the groups gnomAD compares: Non-Finnish European, 0.000085%; no homozygotes.

Submission:

Labcorp Genetics (formerly Invitae), Labcorp
Classification: Uncertain significance for Nephronophthisis. Last evaluated: 2024-12-02. Review status: criteria provided, single submitter. Criteria: Invitae Variant Classification Sherloc (09022015). Collection method: clinical testing. Allele origin: germline.
Comment: This sequence change replaces proline, which is neutral and non-polar, with leucine, which is neutral and non-polar, at codon 548 of the NPHP1 protein (p.Pro548Leu). This variant is not present in population databases (gnomAD no frequency). This variant has not been reported in the literature in individuals affected with NPHP1-related conditions. ClinVar contains an entry for this variant (Variation ID: 2191963). Invitae Evidence Modeling of protein sequence and biophysical properties (such as structural, functional, and spatial information, amino acid conservation, physicochemical variation, residue mobility, and thermodynamic stability) has been performed for this missense variant. However, the output from this modeling did not meet the statistical confidence thresholds required to predict the impact of this variant on NPHP1 protein function. In summary, the available evidence is currently insufficient to determine the role of this variant in disease. Therefore, it has been classified as a Variant of Uncertain Significance.

NM_001128178.3(NPHP1):c.1475C>T (p.Pro492Leu)

Gene: NPHP1 (nephrocystin 1; minus strand). Cytogenetic location: 2q13.
Variant type: single nucleotide variant.
Coding change: c.1475C>T on transcript NM_001128178.3 (MANE Select); coding-DNA position 1475, C replaced by T.
Protein change: p.Pro492Leu; replaces proline 492 with leucine.
Molecular consequence: missense variant.
Genome position (GRCh38, 1-based): chr2:110,143,596, G>A on the plus strand (C>T on the coding strand, the complement: NPHP1 is on the minus strand). VCF-style: chr2-110143596-G-A. GRCh37 (hg19) VCF-style: chr2-110901173-G-A.
Other names: c.1643C>T, p.Pro548Leu (NM_000272.5); c.1286C>T, p.Pro429Leu (NM_001128179.3); c.1472C>T, p.Pro491Leu (NM_001374256.1); c.1475C>T, p.Pro492Leu (NM_001374257.1); c.1640C>T, p.Pro547Leu (NM_207181.4); short protein forms P491L, P492L, P547L, P429L, P548L.
Identifiers: ClinVar variation 2191963 (VCV002191963.3), dbSNP rs2467232013, ClinGen allele CA348087303.